The following is an entry in ClinVar:

NM_001081.4(CUBN):c.10529-3C>T

Gene: CUBN (cubilin; minus strand). Cytogenetic location: 10p13.
Variant type: single nucleotide variant.
Coding change: c.10529-3C>T on transcript NM_001081.4 (MANE Select); 3 bases into the intron before coding-DNA position 10529, C replaced by T.
Molecular consequence: intron variant.
Genome position (GRCh38, 1-based): chr10:16,829,043, G>A on the plus strand (C>T on the coding strand, the complement: CUBN is on the minus strand). VCF-style: chr10-16829043-G-A. GRCh37 (hg19) VCF-style: chr10-16871042-G-A.
Identifiers: ClinVar variation 1437163 (VCV001437163.7), dbSNP rs1838885191, ClinGen allele CA1893314064.

ClinVar aggregate classification (germline): Uncertain significance (1 of 4 stars; one submission).

Conditions:
Imerslund-Grasbeck syndrome. Also called: PERNICIOUS ANEMIA, JUVENILE, DUE TO SELECTIVE INTESTINAL MALABSORPTION OF VITAMIN B12, WITH PROTEINURIA; Megaloblastic anemia due to inborn errors of metabolism; Imerslund-Gräsbeck syndrome; ENTEROCYTE COBALAMIN MALABSORPTION; ENTEROCYTE INTRINSIC FACTOR RECEPTOR, DEFECT OF. Identifiers: Orphanet 35858, MedGen C4551825, MONDO:0009853.

Allele frequency attached by ClinVar (database versions not stated): TOPMed below 0.00001.

Submission:

Labcorp Genetics (formerly Invitae), Labcorp
Classification: Uncertain significance for Imerslund-Grasbeck syndrome. Last evaluated: 2022-10-17. Review status: criteria provided, single submitter. Criteria: Invitae Variant Classification Sherloc (09022015). Collection method: clinical testing. Allele origin: germline.
Comment: This variant has not been reported in the literature in individuals affected with CUBN-related conditions. ClinVar contains an entry for this variant (Variation ID: 1437163). This sequence change falls in intron 65 of the CUBN gene. It does not directly change the encoded amino acid sequence of the CUBN protein. It affects a nucleotide within the consensus splice site. This variant is not present in population databases (gnomAD no frequency). In summary, the available evidence is currently insufficient to determine the role of this variant in disease. Therefore, it has been classified as a Variant of Uncertain Significance. Variants that disrupt the consensus splice site are a relatively common cause of aberrant splicing (PMID: 17576681, 9536098). Algorithms developed to predict the effect of sequence changes on RNA splicing suggest that this variant is not likely to affect RNA splicing.

Literature cited by the submitters: PubMed 17576681; PubMed 9536098.